The following is an entry in ClinVar:

ClinVar aggregate classification (germline): Pathogenic/Likely pathogenic. Review status: criteria provided, multiple submitters, no conflicts (2 of 4 stars). 5 submissions from 5 submitters: Pathogenic (4); Likely pathogenic (1). Last evaluated 2025-04-24.

Conditions:
Spastic paraplegia. Identifiers: MedGen C0037772, HP:0001258.
Charlevoix-Saguenay spastic ataxia (SACS). Also called: SPASTIC ATAXIA 6, AUTOSOMAL RECESSIVE; AUTOSOMAL RECESSIVE SPASTIC ATAXIA OF CHARLEVOIX-SAGUENAY; Spastic ataxia of Charlevoix-Saguenay. Identifiers: Orphanet 98, MedGen C1849140, MONDO:0010041, OMIM 270550.

Submissions (5):

Natera, Inc.
Classification: Pathogenic for Charlevoix-Saguenay type spastic ataxia. Last evaluated: 2025-04-24. Review status: criteria provided, single submitter. Criteria: Natera Variant Classification Schema (03/2026). Collection method: clinical testing. Allele origin: germline.
Comment: The c.429_430delTT variant in SACS is a frameshift variant predicted to shift the reading frame beginning at codon 144 and leads to a stop codon 39 codons downstream. This variant is expected to result in nonsense mediated decay, truncation, or a dysfunctional protein product. This variant is rare in the general population with a frequency below the threshold expected for the associated phenotype(s). This variant has been observed in one or more individuals affected with the associated recessive disease, as either homozygous or compound heterozygous with a second variant (PMID: 33414805). Additionally, this variant has been observed to segregate in affected family members (PMID: 33414805). Given the available evidence, this variant is classified as Pathogenic.

Fulgent Genetics
Classification: Pathogenic for Charlevoix-Saguenay spastic ataxia. Last evaluated: 2024-05-11. Review status: criteria provided, single submitter. Criteria: ACMG Guidelines, 2015. Collection method: clinical testing. Allele origin: germline.

Baylor Genetics
Classification: Pathogenic for Charlevoix-Saguenay spastic ataxia. Last evaluated: 2023-12-21. Review status: criteria provided, single submitter. Criteria: ACMG Guidelines, 2015. Collection method: clinical testing. Allele origin: unknown.

Labcorp Genetics (formerly Invitae), Labcorp
Classification: Pathogenic for Spastic paraplegia. Last evaluated: 2023-10-13. Review status: criteria provided, single submitter. Criteria: Invitae Variant Classification Sherloc (09022015). Collection method: clinical testing. Allele origin: germline.
Comment: This sequence change creates a premature translational stop signal (p.Trp144Valfs*39) in the SACS gene. It is expected to result in an absent or disrupted protein product. Loss-of-function variants in SACS are known to be pathogenic (PMID: 18465152, 20876471). This variant is not present in population databases (gnomAD no frequency). This premature translational stop signal has been observed in individual(s) with spastic ataxia (PMID: 26288984, 33414805). This variant is also known as c.428_29DelTT (p.L143Lfs*10). ClinVar contains an entry for this variant (Variation ID: 2185586). For these reasons, this variant has been classified as Pathogenic.

PROSPAX: an integrated multimodal progression  chart in spastic ataxias, Center for Neurology; Hertie-Institute for Clinical Brain Research
Classification: Likely pathogenic for Charlevoix-Saguenay spastic ataxia. Last evaluated: 2022-01-01. Review status: criteria provided, single submitter. Criteria: ACMG Guidelines, 2015. Collection method: research. Allele origin: germline. Affected: yes.

Literature cited by the submitters: PubMed 33414805 (cited by Natera, Inc. and Labcorp Genetics (formerly Invitae), Labcorp); PubMed 18465152 (cited by Labcorp Genetics (formerly Invitae), Labcorp); PubMed 20876471 (cited by Labcorp Genetics (formerly Invitae), Labcorp); PubMed 26288984 (cited by Labcorp Genetics (formerly Invitae), Labcorp).

NM_014363.6(SACS):c.429_430del (p.Trp144fs)

Gene: SACS (sacsin molecular chaperone; minus strand). Cytogenetic location: 13q12.12.
Variant type: Deletion.
Coding change: c.429_430del on transcript NM_014363.6 (MANE Select); coding-DNA positions 429 to 430, 2 bases deleted (TT; older notation c.429_430delTT).
Protein change: p.Trp144fs; shifts the reading frame from tryptophan 144.
Molecular consequence: frameshift variant. On other transcripts: 5 prime UTR variant (1).
Genome position (GRCh38, 1-based): chr13:23,365,193-23,365,194, AA deleted on the plus strand (TT on the coding strand, the reverse complement: SACS is on the minus strand); deleting any 2 consecutive bases within chr13:23,365,193-23,365,195 gives the same sequence; the c. name uses the placement nearest the transcript's 3' end. VCF-style (leftmost placement, unchanged base first): chr13-23365192-CAA-C. GRCh37 (hg19) VCF-style: chr13-23939331-CAA-C.
Other names: c.429_430delTT (NM_014363.5); c.-13_-12del (NM_001278055.2); c.429_430del (NM_014363.5); short protein forms W144fs.
Identifiers: ClinVar variation 2185586 (VCV002185586.9), dbSNP rs1555255328, ClinGen allele CA387552576.
Genomic context (GRCh38, chr13:23,365,192, plus strand): 5'-ACAATAAAATTTGTTCCTAATTATTGATTCTTACCCTGATATGGCGCCATATCTTTTGAC[CAA>C]AGAGTCTCTGTTCCGTATTGAGTTTCATCATATAAAAATTTAACTTCTGTCGCCCCAGCA-3'